The following is an entry in ClinVar:

NM_001365536.1(SCN9A):c.8T>C (p.Met3Thr)

Gene: SCN9A (sodium voltage-gated channel alpha subunit 9; minus strand). Cytogenetic location: 2q24.3.
Variant type: single nucleotide variant.
Coding change: c.8T>C on transcript NM_001365536.1 (MANE Select); coding-DNA position 8, T replaced by C.
Protein change: p.Met3Thr; replaces methionine 3 with threonine.
Molecular consequence: missense variant.
Genome position (GRCh38, 1-based): chr2:166,311,749, A>G on the plus strand (T>C on the coding strand, the complement: SCN9A is on the minus strand). VCF-style: chr2-166311749-A-G. GRCh37 (hg19) VCF-style: chr2-167168259-A-G.
Other names: c.8T>C, p.Met3Thr (NM_002977.4); short protein forms M3T.
Identifiers: ClinVar variation 4789360 (VCV004789360.1).

ClinVar aggregate classification (germline): Uncertain significance (1 of 4 stars; one submission).

Conditions:
Neuropathy, hereditary sensory and autonomic, type 2A (HSAN2A). Also called: ACROOSTEOLYSIS, GIACCAI TYPE; ACROOSTEOLYSIS, NEUROGENIC; MORVAN DISEASE; NEUROPATHY, CONGENITAL SENSORY; NEUROPATHY, HEREDITARY SENSORY RADICULAR, AUTOSOMAL RECESSIVE; NEUROPATHY, HEREDITARY SENSORY, TYPE IIA. Identifiers: Orphanet 970, MedGen C2752089, MONDO:0024309, OMIM 201300.
Generalized epilepsy with febrile seizures plus, type 7 (GEFSP7). Also called: GEFS+, TYPE 7. Identifiers: Orphanet 36387, MedGen C2751778, MONDO:0013470, OMIM 613863.

Submission:

Labcorp Genetics (formerly Invitae), Labcorp
Classification: Uncertain significance for Neuropathy, hereditary sensory and autonomic, type 2A; Generalized epilepsy with febrile seizures plus, type 7. Last evaluated: 2025-06-06. Review status: criteria provided, single submitter. Criteria: Invitae Variant Classification Sherloc (09022015). Collection method: clinical testing. Allele origin: germline.
Comment: This sequence change replaces methionine, which is neutral and non-polar, with threonine, which is neutral and polar, at codon 3 of the SCN9A protein (p.Met3Thr). This variant is not present in population databases (gnomAD no frequency). This variant has not been reported in the literature in individuals affected with SCN9A-related conditions. An algorithm developed to predict the effect of missense changes on protein structure and function outputs the following: PolyPhen-2: "Benign". The threonine amino acid residue is found in multiple mammalian species, which suggests that this missense change does not adversely affect protein function. In summary, the available evidence is currently insufficient to determine the role of this variant in disease. Therefore, it has been classified as a Variant of Uncertain Significance.